The following is an entry in ClinVar:

ClinVar aggregate classification (germline): Uncertain significance. Review status: criteria provided, multiple submitters, no conflicts (2 of 4 stars). 3 submissions from 3 submitters: Uncertain significance (3). Last evaluated 2025-06-07.

Conditions:
Inborn genetic diseases. Identifiers: MedGen C0950123, MeSH D030342.

Allele frequency attached by ClinVar (database versions not stated): gnomAD exomes 0.00002 and 0.00003; TOPMed 0.00002; ExAC 0.00004.
gnomAD v4.1: 24 of 1,612,422 alleles (0.0015%); highest among the groups gnomAD compares: Middle Eastern, 0.017%; no homozygotes.

Submissions (3):

Ambry Genetics
Classification: Uncertain significance for Inborn genetic diseases. Last evaluated: 2025-06-07. Review status: criteria provided, single submitter. Criteria: Ambry Variant Classification Scheme 2023. Collection method: clinical testing. Allele origin: germline.

Blueprint Genetics
Classification: Uncertain significance. Last evaluated: 2024-06-10. Review status: criteria provided, single submitter. Criteria: ACMG Guidelines, 2015. Collection method: clinical testing. Allele origin: germline.

Labcorp Genetics (formerly Invitae), Labcorp
Classification: Uncertain significance. Last evaluated: 2022-07-06. Review status: criteria provided, single submitter. Criteria: Invitae Variant Classification Sherloc (09022015). Collection method: clinical testing. Allele origin: germline.
Comment: This sequence change replaces alanine, which is neutral and non-polar, with threonine, which is neutral and polar, at codon 585 of the EXTL3 protein (p.Ala585Thr). This variant is present in population databases (rs530699484, gnomAD 0.006%). This variant has not been reported in the literature in individuals affected with EXTL3-related conditions. ClinVar contains an entry for this variant (Variation ID: 1360458). Algorithms developed to predict the effect of missense changes on protein structure and function (SIFT, PolyPhen-2, Align-GVGD) all suggest that this variant is likely to be tolerated. In summary, the available evidence is currently insufficient to determine the role of this variant in disease. Therefore, it has been classified as a Variant of Uncertain Significance.

NM_001440.4(EXTL3):c.1753G>A (p.Ala585Thr)

Gene: EXTL3 (exostosin like glycosyltransferase 3; plus strand). Cytogenetic location: 8p21.1.
Variant type: single nucleotide variant.
Coding change: c.1753G>A on transcript NM_001440.4 (MANE Select); coding-DNA position 1753, G replaced by A.
Protein change: p.Ala585Thr; replaces alanine 585 with threonine.
Molecular consequence: missense variant.
Genome position (GRCh38, 1-based): chr8:28,717,812, G>A. VCF-style: chr8-28717812-G-A. GRCh37 (hg19) VCF-style: chr8-28575329-G-A.
Other names: c.1753G>A (NM_001440.2); short protein forms A585T.
Identifiers: ClinVar variation 1360458 (VCV001360458.5), dbSNP rs530699484, ClinGen allele CA4696286.